The following is an entry in ClinVar:

NM_004006.3(DMD):c.6557G>A (p.Gly2186Glu)

Gene: DMD (dystrophin; minus strand). Cytogenetic location: Xp21.1.
Variant type: single nucleotide variant.
Coding change: c.6557G>A on transcript NM_004006.3 (MANE Select); coding-DNA position 6557, G replaced by A.
Protein change: p.Gly2186Glu; replaces glycine 2186 with glutamic acid.
Molecular consequence: missense variant. On other transcripts: 5 prime UTR variant (5).
Genome position (GRCh38, 1-based): chrX:31,968,396, C>T on the plus strand (G>A on the coding strand, the complement: DMD is on the minus strand). VCF-style: chrX-31968396-C-T. GRCh37 (hg19) VCF-style: chrX-31986513-C-T.
Other names: c.6533G>A, p.Gly2178Glu (NM_000109.4); c.6545G>A, p.Gly2182Glu (NM_004009.3); c.6188G>A, p.Gly2063Glu (NM_004010.3); c.2534G>A, p.Gly845Glu (NM_004011.4); c.2525G>A, p.Gly842Glu (NM_004012.4); c.-824G>A (NM_004013.3, NM_004020.4, NM_004021.3 and 2 more transcripts); short protein forms G2063E, G2178E, G2182E, G2186E, G842E, G845E.
Identifiers: ClinVar variation 1007178 (VCV001007178.10), dbSNP rs2095369768, ClinGen allele CA412659583.
Genomic context (GRCh38, chrX:31,968,396, plus strand): 5'-TACCTCTTTTTTCTGTCTGACAGCTGTTTGCAGACCTCCTGCCACCGCAGATTCAGGCTT[C>T]CCAATTTTTCCTGTAGAATACTGGCATCTGTTTTTGAGGATTGCTGAATTATTTCTTCCC-3'
Protein context (NP_003997.2, residues 2176-2196): TDASILQEKL[Gly2186Glu]SLNLRWQEVC

ClinVar aggregate classification (germline): Uncertain significance. Review status: criteria provided, single submitter (1 of 4 stars). 2 submissions from 2 submitters: Uncertain significance (1). 1 of the submissions does not count toward it. Last evaluated 2020-09-03.

Conditions:
Duchenne muscular dystrophy (DMD). Also called: MUSCULAR DYSTROPHY, PSEUDOHYPERTROPHIC PROGRESSIVE, DUCHENNE TYPE; Duchenne Muscular Dystrophy (DMD). Identifiers: Orphanet 98896, MedGen C0013264, MONDO:0010679, OMIM 310200.
Dystrophin deficiency.
Becker muscular dystrophy (BMD). Also called: MUSCULAR DYSTROPHY, PSEUDOHYPERTROPHIC PROGRESSIVE, BECKER TYPE; Becker Muscular Dystrophy (BMD). Identifiers: Orphanet 98895, MedGen C0917713, MONDO:0010311, OMIM 300376.
Cardiomyopathy (CMYO). Also called: Cardiomyopathies. Identifiers: Orphanet 167848, MedGen C0878544, MONDO:0004994, HP:0001638. Inheritance: Various modes of inheritance.

Submissions (2):

Labcorp Genetics (formerly Invitae), Labcorp
Classification: Uncertain significance for Duchenne muscular dystrophy. Last evaluated: 2020-09-03. Review status: criteria provided, single submitter. Criteria: Invitae Variant Classification Sherloc (09022015). Collection method: clinical testing. Allele origin: germline.
Comment: Algorithms developed to predict the effect of missense changes on protein structure and function are either unavailable or do not agree on the potential impact of this missense change (SIFT: "Deleterious"; PolyPhen-2: "Probably Damaging"; Align-GVGD: "Class C0"). In summary, the available evidence is currently insufficient to determine the role of this variant in disease. Therefore, it has been classified as a Variant of Uncertain Significance. This variant has not been reported in the literature in individuals with DMD-related conditions. This variant is not present in population databases (ExAC no frequency). This sequence change replaces glycine with glutamic acid at codon 2186 of the DMD protein (p.Gly2186Glu). The glycine residue is highly conserved and there is a moderate physicochemical difference between glycine and glutamic acid.

Natera, Inc.
Classification: Uncertain significance for Becker muscular dystrophy; Cardiomyopathy; Duchenne muscular dystrophy; Dystrophin deficiency. Last evaluated: 2019-02-04. Review status: no assertion criteria provided. Collection method: clinical testing. Allele origin: germline. Not counted in ClinVar's aggregate classification.